The following is an entry in ClinVar:

ClinVar aggregate classification (germline): Likely benign. Review status: criteria provided, single submitter (1 of 4 stars). 2 submissions from 2 submitters: Likely benign (1). 1 of the submissions does not count toward it. Last evaluated 2022-04-01.

Conditions:
PLXNA3-related disorder. Also called: PLXNA3-related condition.

Allele frequency attached by ClinVar (database versions not stated): gnomAD 0.00015; ESP Exome Variant Server 0.00019; ExAC 0.00055; 1000 Genomes Project 0.00132; 1000 Genomes Project 30x 0.00146.

Submissions (2):

CeGaT Center for Human Genetics Tuebingen
Classification: Likely benign. Last evaluated: 2022-04-01. Review status: criteria provided, single submitter. Criteria: CeGaT Center For Human Genetics Tuebingen Variant Classification Criteria Version 2. Collection method: clinical testing. Allele origin: germline. Affected: yes. Observed: 1 variant allele.
Comment: PLXNA3: BP4, BP7

PreventionGenetics, part of Exact Sciences
Classification: Likely benign for PLXNA3-related condition. Last evaluated: 2021-06-02. Review status: no assertion criteria provided. Collection method: clinical testing. Allele origin: germline. Not counted in ClinVar's aggregate classification.
Comment: This variant is classified as likely benign based on ACMG/AMP sequence variant interpretation guidelines (Richards et al. 2015 PMID: 25741868, with internal and published modifications).

NM_017514.5(PLXNA3):c.516C>T (p.Asp172=)

Gene: PLXNA3 (plexin A3; plus strand). Cytogenetic location: Xq28.
Variant type: single nucleotide variant.
Coding change: c.516C>T on transcript NM_017514.5 (MANE Select); coding-DNA position 516, C replaced by T.
Protein change: p.Asp172=; no amino-acid change (aspartic acid 172 retained).
Molecular consequence: synonymous variant.
Genome position (GRCh38, 1-based): chrX:154,460,699, C>T. VCF-style: chrX-154460699-C-T. GRCh37 (hg19) VCF-style: chrX-153689039-C-T.
Identifiers: ClinVar variation 2661825 (VCV002661825.25), dbSNP rs200868961, ClinGen allele CA10563709.